The following is an entry in ClinVar:

ClinVar aggregate classification (germline): Benign/Likely benign. Review status: criteria provided, multiple submitters, no conflicts (2 of 4 stars). 8 submissions from 7 submitters: Benign (3); Likely benign (5). Last evaluated 2025-11-28.

Conditions:
Inborn genetic diseases. Identifiers: MedGen C0950123, MeSH D030342.
Developmental and epileptic encephalopathy, 14 (DEE14). Also called: Early infantile epileptic encephalopathy 14. Identifiers: Orphanet 293181, MedGen C3554195, MONDO:0013989, OMIM 614959.
Autosomal dominant nocturnal frontal lobe epilepsy 5. Also called: CILIARY DYSKINESIA, PRIMARY, 28, WITH SITUS INVERSUS; Epilepsy, nocturnal frontal lobe, 5; CILIARY DYSKINESIA, PRIMARY, 28, WITHOUT SITUS INVERSUS; KCNT1-Related Epilepsy. Identifiers: Orphanet 98784, MedGen C3554306, MONDO:0014002, OMIM 615005.

Allele frequency attached by ClinVar (database versions not stated): TOPMed 0.00011; ESP Exome Variant Server 0.00015; gnomAD 0.00017 and 0.00018; gnomAD exomes 0.00020 and 0.00032; ExAC 0.00065.
gnomAD v4.1: 330 of 1,573,766 alleles (0.021%); highest among the groups gnomAD compares: Non-Finnish European, 0.019%; no homozygotes.

Submissions (8):

Labcorp Genetics (formerly Invitae), Labcorp
Classification: Likely benign for Autosomal dominant nocturnal frontal lobe epilepsy 5; Developmental and epileptic encephalopathy, 14. Last evaluated: 2025-11-28. Review status: criteria provided, single submitter. Criteria: Invitae Variant Classification Sherloc (09022015). Collection method: clinical testing. Allele origin: germline.

CeGaT Center for Human Genetics Tuebingen
Classification: Likely benign. Last evaluated: 2025-08-01. Review status: criteria provided, single submitter. Criteria: CeGaT Center For Human Genetics Tuebingen Variant Classification Criteria Version 2. Collection method: clinical testing. Allele origin: germline. Affected: yes. Observed: 8 variant alleles.
Comment: KCNT1: BS1

Ambry Genetics
Classification: Likely benign for Inborn genetic diseases. Last evaluated: 2025-01-20. Review status: criteria provided, single submitter. Criteria: Ambry Variant Classification Scheme 2023. Collection method: clinical testing. Allele origin: germline.

Blueprint Genetics
Classification: Likely benign. Last evaluated: 2024-10-11. Review status: criteria provided, single submitter. Criteria: ACMG Guidelines, 2015. Collection method: clinical testing. Allele origin: germline.

Genome-Nilou Lab
Classification: Benign for Developmental and epileptic encephalopathy, 14. Last evaluated: 2022-03-15. Review status: criteria provided, single submitter. Criteria: ACMG Guidelines, 2015. Collection method: clinical testing. Allele origin: germline. Affected: no.

Genome-Nilou Lab
Classification: Benign for Autosomal dominant nocturnal frontal lobe epilepsy 5. Last evaluated: 2022-03-15. Review status: criteria provided, single submitter. Criteria: ACMG Guidelines, 2015. Collection method: clinical testing. Allele origin: germline. Affected: no.

GeneDx
Classification: Likely benign. Last evaluated: 2018-03-12. Review status: criteria provided, single submitter. Criteria: GeneDx Variant Classification (06012015). Collection method: clinical testing. Allele origin: germline. Affected: yes.
Comment: This variant is considered likely benign or benign based on one or more of the following criteria: it is a conservative change, it occurs at a poorly conserved position in the protein, it is predicted to be benign by multiple in silico algorithms, and/or has population frequency not consistent with disease.

Athena Diagnostics
Classification: Benign. Last evaluated: 2016-12-31. Review status: criteria provided, single submitter. Criteria: Athena Diagnostics Criteria. Collection method: clinical testing. Allele origin: germline.

NM_020822.3(KCNT1):c.3001A>G (p.Thr1001Ala)

Gene: KCNT1 (potassium sodium-activated channel subfamily T member 1; plus strand). Cytogenetic location: 9q34.3.
Variant type: single nucleotide variant.
Coding change: c.3001A>G on transcript NM_020822.3 (MANE Select); coding-DNA position 3001, A replaced by G.
Protein change: p.Thr1001Ala; replaces threonine 1001 with alanine.
Molecular consequence: missense variant.
Genome position (GRCh38, 1-based): chr9:135,784,592, A>G. VCF-style: chr9-135784592-A-G. GRCh37 (hg19) VCF-style: chr9-138676438-A-G.
Other names: c.2866A>G, p.Thr956Ala (NM_001272003.2); short protein forms T1001A, T956A.
Identifiers: ClinVar variation 417214 (VCV000417214.57), dbSNP rs143780942, ClinGen allele CA5327553.